The following is an entry in ClinVar:

ClinVar aggregate classification (germline): Likely benign. Review status: criteria provided, multiple submitters, no conflicts (2 of 4 stars). 3 submissions from 3 submitters: Likely benign (2). 1 of the submissions does not count toward it. Last evaluated 2024-10-28.

Conditions:
STAG2-related disorder. Also called: STAG2-Related Disorders.

Submissions (3):

Blueprint Genetics
Classification: Likely benign. Last evaluated: 2024-10-28. Review status: criteria provided, single submitter. Criteria: ACMG Guidelines, 2015. Collection method: clinical testing. Allele origin: germline.

Labcorp Genetics (formerly Invitae), Labcorp
Classification: Likely benign. Last evaluated: 2024-05-15. Review status: criteria provided, single submitter. Criteria: Invitae Variant Classification Sherloc (09022015). Collection method: clinical testing. Allele origin: germline.

PreventionGenetics, part of Exact Sciences
Classification: Likely benign for STAG2-related condition. Last evaluated: 2021-06-17. Review status: no assertion criteria provided. Collection method: clinical testing. Allele origin: germline. Not counted in ClinVar's aggregate classification.
Comment: This variant is classified as likely benign based on ACMG/AMP sequence variant interpretation guidelines (Richards et al. 2015 PMID: 25741868, with internal and published modifications).

NM_001042750.2(STAG2):c.3278-9C>A

Gene: STAG2 (STAG2 cohesin complex component; plus strand). Cytogenetic location: Xq25.
Variant type: single nucleotide variant.
Coding change: c.3278-9C>A on transcript NM_001042750.2 (MANE Select); 9 bases into the intron before coding-DNA position 3278, C replaced by A.
Molecular consequence: intron variant.
Genome position (GRCh38, 1-based): chrX:124,090,566, C>A. VCF-style: chrX-124090566-C-A. GRCh37 (hg19) VCF-style: chrX-123224416-C-A.
Other names: c.3278-9C>A (NM_001042749.2, NM_001375366.1, NM_001375373.1 and 13 more transcripts).
Identifiers: ClinVar variation 2715974 (VCV002715974.6), dbSNP rs765569866, ClinGen allele CA2579695450.